The following is an entry in ClinVar:

ClinVar aggregate classification (germline): Pathogenic (1 of 4 stars; one submission).

Conditions:
Spermatogenic failure 18. Identifiers: MedGen C4539783, MONDO:0054615, OMIM 617576.
Ciliary dyskinesia, primary, 37 (CILD37). Also called: CILIARY DYSKINESIA, PRIMARY, 37, WITH OR WITHOUT SITUS INVERSUS. Identifiers: MedGen C4539798, MONDO:0033204, OMIM 617577.

Submission:

Labcorp Genetics (formerly Invitae), Labcorp
Classification: Pathogenic for Ciliary dyskinesia, primary, 37; Spermatogenic failure 18. Last evaluated: 2025-07-14. Review status: criteria provided, single submitter. Criteria: Invitae Variant Classification Sherloc (09022015). Collection method: clinical testing. Allele origin: germline.
Comment: This sequence change creates a premature translational stop signal (p.Gln2448Lysfs*34) in the DNAH1 gene. It is expected to result in an absent or disrupted protein product. Loss-of-function variants in DNAH1 are known to be pathogenic (PMID: 27573432, 27798045). This variant is not present in population databases (gnomAD no frequency). This variant has not been reported in the literature in individuals affected with DNAH1-related conditions. ClinVar contains an entry for this variant (Variation ID: 2033207). For these reasons, this variant has been classified as Pathogenic.

Literature cited by the submitters: PubMed 27573432; PubMed 27798045.

NM_015512.5(DNAH1):c.7342del (p.Gln2448fs)

Gene: DNAH1 (dynein axonemal heavy chain 1; plus strand). Cytogenetic location: 3p21.1.
Variant type: Deletion.
Coding change: c.7342del on transcript NM_015512.5 (MANE Select); coding-DNA position 7342, one base deleted (C; older notation c.7342delC).
Protein change: p.Gln2448fs; shifts the reading frame from glutamine 2448.
Molecular consequence: frameshift variant.
Genome position (GRCh38, 1-based): chr3:52,378,745, C deleted; the last of 2 consecutive C bases (chr3:52,378,744-52,378,745); deleting either gives the same sequence. VCF-style (leftmost placement, unchanged base first): chr3-52378743-TC-T. GRCh37 (hg19) VCF-style: chr3-52412759-TC-T.
Other names: short protein forms Q2448fs.
Identifiers: ClinVar variation 2033207 (VCV002033207.4), dbSNP rs2471253329, ClinGen allele CA2580070154.